The following is an entry in ClinVar:

NM_015294.6(TRIM37):c.787C>G (p.Pro263Ala)

Gene: TRIM37 (tripartite motif containing 37; minus strand). Cytogenetic location: 17q22.
Variant type: single nucleotide variant.
Coding change: c.787C>G on transcript NM_015294.6 (MANE Select); coding-DNA position 787, C replaced by G.
Protein change: p.Pro263Ala; replaces proline 263 with alanine.
Molecular consequence: missense variant. On other transcripts: non-coding transcript variant (2).
Genome position (GRCh38, 1-based): chr17:59,070,845, G>C on the plus strand (C>G on the coding strand, the complement: TRIM37 is on the minus strand). VCF-style: chr17-59070845-G-C. GRCh37 (hg19) VCF-style: chr17-57148206-G-C.
Other names: c.787C>G (NM_015294.3); c.787C>G, p.Pro263Ala (NM_001005207.5, NM_001320988.3, NM_001320989.3 and 2 more transcripts); c.685C>G, p.Pro229Ala (NM_001320987.3, NM_001353082.2); c.421C>G, p.Pro141Ala (NM_001320990.3); c.52C>G, p.Pro18Ala (NM_001353083.2); c.325C>G, p.Pro109Ala (NM_001353085.2); short protein forms P109A, P141A, P18A, P229A, P263A.
Identifiers: ClinVar variation 2154260 (VCV002154260.2), dbSNP rs756060552, ClinGen allele CA8678523.

ClinVar aggregate classification (germline): Uncertain significance. Review status: criteria provided, multiple submitters, no conflicts (2 of 4 stars). 2 submissions from 2 submitters: Uncertain significance (2). Last evaluated 2025-07-15.

Conditions:
Inborn genetic diseases. Identifiers: MedGen C0950123, MeSH D030342.

Allele frequency attached by ClinVar (database versions not stated): gnomAD 0.00001; ExAC 0.00002; TOPMed 0.00002; gnomAD exomes 0.00006.
gnomAD v4.1: 80 of 1,613,880 alleles (0.005%); highest among the groups gnomAD compares: Non-Finnish European, 0.0068%; no homozygotes.

Submissions (2):

Ambry Genetics
Classification: Uncertain significance for Inborn genetic diseases. Last evaluated: 2025-07-15. Review status: criteria provided, single submitter. Criteria: Ambry Variant Classification Scheme 2023. Collection method: clinical testing. Allele origin: germline.

Labcorp Genetics (formerly Invitae), Labcorp
Classification: Uncertain significance. Last evaluated: 2022-07-11. Review status: criteria provided, single submitter. Criteria: Invitae Variant Classification Sherloc (09022015). Collection method: clinical testing. Allele origin: germline.
Comment: This sequence change replaces proline, which is neutral and non-polar, with alanine, which is neutral and non-polar, at codon 263 of the TRIM37 protein (p.Pro263Ala). This variant is present in population databases (rs756060552, gnomAD 0.004%). This variant has not been reported in the literature in individuals affected with TRIM37-related conditions. Algorithms developed to predict the effect of missense changes on protein structure and function are either unavailable or do not agree on the potential impact of this missense change (SIFT: "Not Available"; PolyPhen-2: "Benign"; Align-GVGD: "Not Available"). In summary, the available evidence is currently insufficient to determine the role of this variant in disease. Therefore, it has been classified as a Variant of Uncertain Significance.